The following is an entry in ClinVar:

ClinVar aggregate classification (germline): Conflicting classifications of pathogenicity. Review status: criteria provided, conflicting classifications (1 of 4 stars). 2 submissions from 2 submitters: Uncertain significance (1); Likely benign (1). Last evaluated 2025-11-13.

Conditions:
Myofibrillar myopathy 5. Also called: Filaminopathy (type); FILAMINOPATHY, AUTOSOMAL DOMINANT. Identifiers: Orphanet 171445, MedGen C1836050, MONDO:0012289, OMIM 609524.
Distal myopathy with posterior leg and anterior hand involvement. Also called: WILLIAMS DISTAL MYOPATHY. Identifiers: Orphanet 63273, MedGen C3279722, MONDO:0013550, OMIM 614065.
Hypertrophic cardiomyopathy 26. Also called: Cardiomyopathy, familial hypertrophic, 26. Identifiers: Orphanet 75249, MedGen C4310749, MONDO:0014883, OMIM 617047.

Allele frequency attached by ClinVar (database versions not stated): ExAC 0.00002; gnomAD exomes 0.00001 and 0.00002.
gnomAD v4.1: 13 of 1,614,122 alleles (0.00081%); highest among the groups gnomAD compares: Admixed American, 0.0017%; no homozygotes.

Submissions (2):

Dasa
Classification: Uncertain significance for Hypertrophic cardiomyopathy 26. Last evaluated: 2025-11-13. Review status: criteria provided, single submitter. Criteria: DASA Assertion Criteria. Collection method: clinical testing. Allele origin: germline.
Comment: NM_001458.5(FLNC):c.2692G>A (p.Gly898Ser) is a missense variant that results in the substitution of glycine with serine. This variant is rare in population databases. Computational prediction algorithms are consistent with a deleterious effect. The currently available literature and clinical evidence are not sufficient to establish a definitive association between this variant and the reported condition. Therefore, this variant is classified as a variant of uncertain significance.

Labcorp Genetics (formerly Invitae), Labcorp
Classification: Likely benign for Distal myopathy with posterior leg and anterior hand involvement; Myofibrillar myopathy 5; Hypertrophic cardiomyopathy 26. Last evaluated: 2022-08-16. Review status: criteria provided, single submitter. Criteria: Invitae Variant Classification Sherloc (09022015). Collection method: clinical testing. Allele origin: germline.

NM_001458.5(FLNC):c.2692G>A (p.Gly898Ser)

Gene: FLNC (filamin C; plus strand). Cytogenetic location: 7q32.1.
Variant type: single nucleotide variant.
Coding change: c.2692G>A on transcript NM_001458.5 (MANE Select); coding-DNA position 2692, G replaced by A.
Protein change: p.Gly898Ser; replaces glycine 898 with serine.
Molecular consequence: missense variant.
Genome position (GRCh38, 1-based): chr7:128,843,458, G>A. VCF-style: chr7-128843458-G-A. GRCh37 (hg19) VCF-style: chr7-128483512-G-A.
Other names: c.2692G>A, p.Gly898Ser (NM_001127487.2); short protein forms G898S.
Identifiers: ClinVar variation 1414620 (VCV001414620.12), dbSNP rs777692031, ClinGen allele CA4474824.
Genomic context (GRCh38, chr7:128,843,458, plus strand): 5'-GGGTCCTCAGGTGTGGAAGTCGGGAAGCCCACCCACTTCACGGTGCTGACCAAGGGAGCC[G>A]GCAAGGCCAAGCTGGATGTGCAGTTTGCAGGGACAGCCAAGGGCGAGGTTGTGCGGGACT-3'
Protein context (NP_001449.3, residues 888-908): THFTVLTKGA[Gly898Ser]KAKLDVQFAG